The following is an entry in ClinVar:

NC_000015.10:g.(?_90782812)_(90968837_?)dup

Genes: UNC45A (unc-45 myosin chaperone A; plus strand), RCCD1 (RCC1 domain containing 1; plus strand), FURIN (furin, paired basic amino acid cleaving enzyme; plus strand), FES (FES proto-oncogene, tyrosine kinase; plus strand), BLM (BLM RecQ like helicase; plus strand) and 3 more. Cytogenetic location: 15q26.1.
Variant type: Duplication.
Identifiers: ClinVar variation 833278 (VCV000833278.7).

ClinVar aggregate classification (germline): Uncertain significance (1 of 4 stars; one submission).

Conditions:
Bloom syndrome (BLM). Also called: Bloom-Torre-Machacek syndrome. Identifiers: Orphanet 125, MedGen C0005859, MONDO:0008876, OMIM 210900.

Submission:

Labcorp Genetics (formerly Invitae), Labcorp
Classification: Uncertain significance for Bloom syndrome. Last evaluated: 2019-11-12. Review status: criteria provided, single submitter. Criteria: Invitae Variant Classification Sherloc (09022015). Collection method: clinical testing. Allele origin: germline.
Comment: In summary, the available evidence is currently insufficient to determine the role of this variant in disease. Therefore, it has been classified as a Variant of Uncertain Significance. This variant has not been reported in the literature in individuals with BLM-related conditions. This variant results in a copy number gain of the genomic region encompassing exons 13-22 of the BLM gene. The 5' boundary is likely confined to intron 12. The 3' end of this event is unknown as it extends beyond the assayed region for this gene and therefore may encompass additional genes. As the precise location of this event is unknown, it may be in tandem or it may be located elsewhere in the genome.